The following is an entry in ClinVar:

ClinVar aggregate classification (germline): Pathogenic. Review status: reviewed by expert panel (3 of 4 stars). 4 submissions from 4 submitters: Pathogenic (1). 3 of the submissions do not count toward it. Last evaluated 2016-09-08.

Conditions:
Hereditary breast ovarian cancer syndrome. Also called: BRCA1- and BRCA2-Associated Hereditary Breast and Ovarian Cancer; Hereditary breast and ovarian cancer syndrome; Hereditary breast and ovarian cancer syndrome (HBOC); Breast and ovarian cancer; Hereditary breast and/or ovarian cancer syndrome; Hereditary breast and ovarian cancer. Identifiers: Orphanet 145, MedGen C0677776, MeSH D061325, MONDO:0003582. Disease mechanism: loss of function.
Breast-ovarian cancer, familial, susceptibility to, 1 (BROVCA1). Also called: BRCA1 Hereditary Breast and Ovarian Cancer; OVARIAN CANCER, SUSCEPTIBILITY TO. Identifiers: Orphanet 145, MedGen C2676676, MONDO:0011450, OMIM 604370. Disease mechanism: loss of function.

Submissions (4):

Evidence-based Network for the Interpretation of Germline Mutant Alleles (ENIGMA)
Classification: Pathogenic for Breast-ovarian cancer, familial, susceptibility to, 1. Last evaluated: 2016-09-08. Review status: reviewed by expert panel. Criteria: ENIGMA BRCA1/2 Classification Criteria (2015). Collection method: curation. Allele origin: germline.
Comment: Variant allele predicted to encode a truncated non-functional protein.

Labcorp Genetics (formerly Invitae), Labcorp
Classification: Pathogenic for Hereditary breast ovarian cancer syndrome. Last evaluated: 2025-04-27. Review status: criteria provided, single submitter. Criteria: Invitae Variant Classification Sherloc (09022015). Collection method: clinical testing. Allele origin: germline. Not counted in ClinVar's aggregate classification.
Comment: This sequence change creates a premature translational stop signal (p.Gln1388Leufs*4) in the BRCA1 gene. It is expected to result in an absent or disrupted protein product. Loss-of-function variants in BRCA1 are known to be pathogenic (PMID: 20104584). This variant is not present in population databases (gnomAD no frequency). This premature translational stop signal has been observed in individual(s) with breast cancer (PMID: 32427313). ClinVar contains an entry for this variant (Variation ID: 55116). For these reasons, this variant has been classified as Pathogenic.

Quest Diagnostics Nichols Institute San Juan Capistrano
Classification: Pathogenic. Last evaluated: 2023-01-09. Review status: criteria provided, single submitter. Criteria: Quest Diagnostics criteria. Collection method: clinical testing. Allele origin: unknown. Not counted in ClinVar's aggregate classification.
Comment: This frameshift variant alters the translational reading frame of the BRCA1 mRNA and causes the premature termination of BRCA1 protein synthesis. It has not been reported in large, multi-ethnic general populations. In the published literature, the variant has been reported in an individual with breast cancer (PMID: 32427313 (2020)). Based on the available information, this variant is classified as pathogenic.

Breast Cancer Information Core (BIC) (BRCA1)
Classification: Pathogenic for Breast-ovarian cancer, familial 1. Last evaluated: 2004-11-25. Review status: no assertion criteria provided. Collection method: clinical testing. Allele origin: germline. Affected: yes. Observed: 2 variant alleles. Not counted in ClinVar's aggregate classification.

Literature cited by the submitters: PubMed 20104584 (cited by Labcorp Genetics (formerly Invitae), Labcorp); PubMed 32427313 (cited by Labcorp Genetics (formerly Invitae), Labcorp and Quest Diagnostics Nichols Institute San Juan Capistrano).

NM_007294.4(BRCA1):c.4163_4166del (p.Gln1388fs)

Gene: BRCA1 (BRCA1 DNA repair associated; minus strand). Cytogenetic location: 17q21.31.
Variant type: Deletion.
Coding change: c.4163_4166del on transcript NM_007294.4 (MANE Select); coding-DNA positions 4163 to 4166, 4 bases deleted (AGAG; older notation c.4163_4166delAGAG).
Protein change: p.Gln1388fs; shifts the reading frame from glutamine 1388.
Molecular consequence: frameshift variant. On other transcripts: non-coding transcript variant (1).
Genome position (GRCh38, 1-based): chr17:43,090,963-43,090,966, CTCT deleted on the plus strand (AGAG on the coding strand, the reverse complement: BRCA1 is on the minus strand). VCF-style (leftmost placement, unchanged base first): chr17-43090962-ACTCT-A. GRCh37 (hg19) VCF-style: chr17-41242979-ACTCT-A.
Other names: 4282del4; c.3659_3662delAGAG, p.Gln1220Leufs (NM_001407965.1); c.3275_3278delAGAG, p.Gln1092Leufs (NM_001407966.1, NM_001407967.1); c.1559_1562delAGAG, p.Gln520Leufs (NM_001407968.1, NM_001407969.1); c.854_857delAGAG, p.Gln285Leufs (NM_001407970.1, NM_001407971.1, NM_001407973.1 and 17 more transcripts); c.851_854delAGAG, p.Gln284Leufs (NM_001407972.1, NM_001407984.1, NM_001407985.1 and 13 more transcripts); c.848_851delAGAG, p.Gln283Leufs (NM_001408406.1); c.845_848delAGAG, p.Gln282Leufs (NM_001408408.1); and 46 more; short protein forms Q1388fs, Q285fs, Q1341fs.
Identifiers: ClinVar variation 55116 (VCV000055116.5), dbSNP rs80357532, ClinGen allele CA002663.
Genomic context (GRCh38, chr17:43,090,962, plus strand): 5'-ACACCACACACACGCATGTGCACACACACACACGCTTTTTACCTGAGTGGTTAAAATGTC[ACTCT>A]GAGAGGATAGCCCTGAGCAGTCTTCAGAGACGCTTGTTTCACTCTCACACCCAGATGCTG-3'